The following is an entry in ClinVar:

NM_001376.5(DYNC1H1):c.3170A>G (p.Tyr1057Cys)

Gene: DYNC1H1 (dynein cytoplasmic 1 heavy chain 1; plus strand). Cytogenetic location: 14q32.31.
Variant type: single nucleotide variant.
Coding change: c.3170A>G on transcript NM_001376.5 (MANE Select); coding-DNA position 3170, A replaced by G.
Protein change: p.Tyr1057Cys; replaces tyrosine 1057 with cysteine.
Molecular consequence: missense variant.
Genome position (GRCh38, 1-based): chr14:101,994,686, A>G. VCF-style: chr14-101994686-A-G. GRCh37 (hg19) VCF-style: chr14-102461023-A-G.
Other names: short protein forms Y1057C.
Identifiers: ClinVar variation 873447 (VCV000873447.8), dbSNP rs2048038246, ClinGen allele CA391032769.

ClinVar aggregate classification (germline): Conflicting classifications of pathogenicity. Review status: criteria provided, conflicting classifications (1 of 4 stars). 3 submissions from 2 submitters: Likely pathogenic (2); Uncertain significance (1). Last evaluated 2024-05-15.

Conditions:
Cortical dysplasia, complex, with other brain malformations 13. Also called: Intellectual disability, autosomal dominant 13. Identifiers: MedGen C3281202, MONDO:0013805, OMIM 614563.
Charcot-Marie-Tooth disease axonal type 2O. Also called: CHARCOT-MARIE-TOOTH NEUROPATHY, AXONAL, TYPE 2O; CHARCOT-MARIE-TOOTH DISEASE, AXONAL, AUTOSOMAL DOMINANT, TYPE 2O; Charcot-Marie-Tooth Neuropathy Type 2O; Charcot-Marie-Tooth disease, axonal, type 20. Identifiers: Orphanet 284232, MedGen C3280220, MONDO:0013644, OMIM 614228.
Autosomal dominant childhood-onset proximal spinal muscular atrophy without contractures. Also called: KUGELBERG-WELANDER SYNDROME, AUTOSOMAL DOMINANT; SPINAL MUSCULAR ATROPHY, JUVENILE, PROXIMAL, AUTOSOMAL DOMINANT; Spinal muscular atrophy, lower extremity-predominant 1, AD; SPINAL MUSCULAR ATROPHY, CHILDHOOD, PROXIMAL, AUTOSOMAL DOMINANT. Identifiers: Orphanet 209341, Orphanet 363447, MedGen C5780022, MONDO:0008026, OMIM 158600.

Submissions (3):

Labcorp Genetics (formerly Invitae), Labcorp
Classification: Uncertain significance for Charcot-Marie-Tooth disease axonal type 2O. Last evaluated: 2024-05-15. Review status: criteria provided, single submitter. Criteria: Invitae Variant Classification Sherloc (09022015). Collection method: clinical testing. Allele origin: germline.
Comment: This sequence change replaces tyrosine, which is neutral and polar, with cysteine, which is neutral and slightly polar, at codon 1057 of the DYNC1H1 protein (p.Tyr1057Cys). This variant is not present in population databases (gnomAD no frequency). This variant has not been reported in the literature in individuals affected with DYNC1H1-related conditions. ClinVar contains an entry for this variant (Variation ID: 873447). Advanced modeling of protein sequence and biophysical properties (such as structural, functional, and spatial information, amino acid conservation, physicochemical variation, residue mobility, and thermodynamic stability) performed at Invitae indicates that this missense variant is expected to disrupt DYNC1H1 protein function with a positive predictive value of 95%. Experimental studies have shown that this missense change affects DYNC1H1 function (PMID: 28196890). In summary, the available evidence is currently insufficient to determine the role of this variant in disease. Therefore, it has been classified as a Variant of Uncertain Significance.

Institute of Human Genetics, University of Leipzig Medical Center
Classification: Likely pathogenic for Autosomal dominant childhood-onset proximal spinal muscular atrophy without contractures. Last evaluated: 2019-10-16. Review status: criteria provided, single submitter. Criteria: ACMG Guidelines, 2015. Collection method: clinical testing. Allele origin: de novo. Affected: yes.
Comment: The variant was identified as de novo (maternity and paternity confirmed)

Institute of Human Genetics, University of Leipzig Medical Center
Classification: Likely pathogenic for Cortical dysplasia, complex, with other brain malformations 13. Last evaluated: 2019-10-16. Review status: criteria provided, single submitter. Criteria: ACMG Guidelines, 2015. Collection method: clinical testing. Allele origin: germline. Affected: yes. Observed: 1 variant allele.
Comment: This variant was identified as de novo (maternity and paternity confirmed).

Literature cited by the submitters: PubMed 28196890 (cited by Labcorp Genetics (formerly Invitae), Labcorp).